The following is an entry in ClinVar:

ClinVar aggregate classification (germline): Uncertain significance (1 of 4 stars; one submission).

Conditions:
Familial cancer of breast. Also called: Hereditary breast cancer; hereditary breast carcinoma; BREAST CANCER, FAMILIAL. Identifiers: Orphanet 227535, MedGen C0346153, MONDO:0016419, OMIM 114480. Disease mechanism: loss of function.

Submission:

Labcorp Genetics (formerly Invitae), Labcorp
Classification: Uncertain significance for Familial cancer of breast. Last evaluated: 2024-08-05. Review status: criteria provided, single submitter. Criteria: Invitae Variant Classification Sherloc (09022015). Collection method: clinical testing. Allele origin: germline.
Comment: This sequence change replaces histidine, which is basic and polar, with proline, which is neutral and non-polar, at codon 762 of the PALB2 protein (p.His762Pro). This variant is not present in population databases (gnomAD no frequency). This variant has not been reported in the literature in individuals affected with PALB2-related conditions. Advanced modeling of protein sequence and biophysical properties (such as structural, functional, and spatial information, amino acid conservation, physicochemical variation, residue mobility, and thermodynamic stability) performed at Invitae indicates that this missense variant is not expected to disrupt PALB2 protein function with a negative predictive value of 80%. In summary, the available evidence is currently insufficient to determine the role of this variant in disease. Therefore, it has been classified as a Variant of Uncertain Significance.

NM_024675.4(PALB2):c.2285A>C (p.His762Pro)

Gene: PALB2 (partner and localizer of BRCA2; minus strand). Cytogenetic location: 16p12.2.
Variant type: single nucleotide variant.
Coding change: c.2285A>C on transcript NM_024675.4 (MANE Select); coding-DNA position 2285, A replaced by C.
Protein change: p.His762Pro; replaces histidine 762 with proline.
Molecular consequence: missense variant. On other transcripts: intron variant (1).
Genome position (GRCh38, 1-based): chr16:23,629,869, T>G on the plus strand (A>C on the coding strand, the complement: PALB2 is on the minus strand). VCF-style: chr16-23629869-T-G. GRCh37 (hg19) VCF-style: chr16-23641190-T-G.
Other names: c.2225A>C, p.His742Pro (NM_001407296.1); c.2285A>C, p.His762Pro (NM_001407297.1, NM_001407298.1, NM_001407299.1 and 3 more transcripts); c.1400A>C, p.His467Pro (NM_001407304.1, NM_001407305.1, NM_001407306.1 and 5 more transcripts); c.497A>C, p.His166Pro (NM_001407312.1, NM_001407313.1); c.49-594A>C (NM_001407314.1); short protein forms H467P, H166P, H742P, H762P.
Identifiers: ClinVar variation 3661329 (VCV003661329.2).